The following is an entry in ClinVar:

ClinVar aggregate classification (germline): Uncertain significance (1 of 4 stars; one submission).

Conditions:
Hereditary pancreatitis (PCTT). Also called: Hereditary chronic pancreatitis; PRSS1-Related Hereditary Pancreatitis. Identifiers: Orphanet 676, MedGen C0238339, MONDO:0008185, OMIM 167800.

Submission:

Ambry Genetics
Classification: Uncertain significance for Hereditary pancreatitis. Last evaluated: 2022-08-07. Review status: criteria provided, single submitter. Criteria: Ambry Variant Classification Scheme 2023. Collection method: clinical testing. Allele origin: germline.
Comment: The p.P129T variant (also known as c.385C>A), located in coding exon 3 of the PRSS1 gene, results from a C to A substitution at nucleotide position 385. The proline at codon 129 is replaced by threonine, an amino acid with highly similar properties. This amino acid position is conserved. In addition, this alteration is predicted to be deleterious by in silico analysis. Since supporting evidence is limited at this time, the clinical significance of this alteration remains unclear.

NM_002769.5(PRSS1):c.385C>A (p.Pro129Thr)

Genes: PRSS1 (serine protease 1; plus strand), TRB (T cell receptor beta locus; plus strand). Cytogenetic location: 7q34.
Variant type: single nucleotide variant.
Coding change: c.385C>A on transcript NM_002769.5 (MANE Select); coding-DNA position 385, C replaced by A.
Protein change: p.Pro129Thr; replaces proline 129 with threonine.
Molecular consequence: missense variant. On other transcripts: non-coding transcript variant (5).
Genome position (GRCh38, 1-based): chr7:142,751,958, C>A. VCF-style: chr7-142751958-C-A. GRCh37 (hg19) VCF-style: chr7-142459809-C-A.
Other names: short protein forms P129T.
Identifiers: ClinVar variation 1735580 (VCV001735580.2), dbSNP rs1798775957, ClinGen allele CA369609018.